The following is an entry in ClinVar:

ClinVar aggregate classification (germline): Likely pathogenic. Review status: criteria provided, multiple submitters, no conflicts (2 of 4 stars). 3 submissions from 3 submitters: Likely pathogenic (3). Last evaluated 2024-04-17.

Conditions:
Autosomal recessive polycystic kidney disease (ARPKD). Also called: AR polycystic kidney disease. Identifiers: Orphanet 731, Orphanet 8378, MedGen C0085548, MeSH D017044, MONDO:0009889.
Polycystic kidney disease 4 (PKD4). Also called: POLYCYSTIC KIDNEY AND HEPATIC DISEASE 1; POLYCYSTIC KIDNEY DISEASE, INFANTILE, TYPE I; PKD3; POLYCYSTIC KIDNEY DISEASE 4 WITH OR WITHOUT POLYCYSTIC LIVER DISEASE; Autosomal Recessive Polycystic Kidney Disease – PKHD1. Identifiers: MedGen C4540575, MONDO:0033004, OMIM 263200.

Submissions (3):

Natera, Inc.
Classification: Likely pathogenic for Autosomal recessive polycystic kidney disease. Last evaluated: 2024-04-17. Review status: criteria provided, single submitter. Criteria: Natera Variant Classification Schema (03/2026). Collection method: clinical testing. Allele origin: germline.
Comment: The c.4005delCinsGGA variant in PKHD1 is a frameshift variant predicted to shift the reading frame beginning at codon 1335 and leads to a stop codon 14 codons downstream. This variant is expected to result in nonsense mediated decay, truncation, or a dysfunctional protein product. This variant is rare in the general population with a frequency below the threshold expected for the associated phenotype(s). Given the available evidence, this variant is classified as Likely Pathogenic.

Fulgent Genetics
Classification: Likely pathogenic for Polycystic kidney disease 4. Last evaluated: 2024-02-21. Review status: criteria provided, single submitter. Criteria: ACMG Guidelines, 2015. Collection method: clinical testing. Allele origin: germline.

Baylor Genetics
Classification: Likely pathogenic for Polycystic kidney disease 4. Last evaluated: 2023-10-10. Review status: criteria provided, single submitter. Criteria: ACMG Guidelines, 2015. Collection method: clinical testing. Allele origin: unknown.

NM_138694.4(PKHD1):c.4005delinsGGA (p.Asn1335fs)

Gene: PKHD1 (PKHD1 ciliary IPT domain containing fibrocystin/polyductin; minus strand). Cytogenetic location: 6p12.2.
Variant type: Indel.
Coding change: c.4005delinsGGA on transcript NM_138694.4 (MANE Select); coding-DNA position 4005, C replaced by GGA.
Protein change: p.Asn1335fs; shifts the reading frame from asparagine 1335.
Molecular consequence: frameshift variant.
Genome position (GRCh38, 1-based): chr6:52,025,805, G replaced by TCC on the plus strand (C replaced by GGA on the coding strand, the reverse complement: PKHD1 is on the minus strand). VCF-style: chr6-52025805-G-TCC. GRCh37 (hg19) VCF-style: chr6-51890603-G-TCC.
Other names: c.4005delinsGGA, p.Asn1335fs (NM_170724.3); c.4005delCinsGGA (NM_138694.3); short protein forms N1335fs.
Identifiers: ClinVar variation 2677774 (VCV002677774.3), dbSNP rs2532728375, ClinGen allele CA2695198888.
Genomic context (GRCh38, chr6:52,025,805, plus strand): 5'-AGGGATGGAGCATCCAGACAGGCTCACGTTGCCCTGGAAGGACTGTGTCTCAACATCACA[G>TCC]TTCAGGTTCCCCAGAAGGATGACTGAGTTGGAGAGGTTACTTCCTCCCACATGCAGGCTC-3'